The following is an entry in ClinVar:

ClinVar aggregate classification (germline): Likely pathogenic (1 of 4 stars; one submission).

Submission:

Labcorp Genetics (formerly Invitae), Labcorp
Classification: Likely pathogenic. Last evaluated: 2022-03-13. Review status: criteria provided, single submitter. Criteria: Invitae Variant Classification Sherloc (09022015). Collection method: clinical testing. Allele origin: germline.
Comment: In summary, the currently available evidence indicates that the variant is pathogenic, but additional data are needed to prove that conclusively. Therefore, this variant has been classified as Likely Pathogenic. Advanced modeling of protein sequence and biophysical properties (such as structural, functional, and spatial information, amino acid conservation, physicochemical variation, residue mobility, and thermodynamic stability) performed at Invitae indicates that this missense variant is expected to disrupt PHEX protein function. This missense change has been observed in individual(s) with clinical features of hypophosphatemic rickets (Invitae). This variant is not present in population databases (gnomAD no frequency). This sequence change replaces alanine, which is neutral and non-polar, with aspartic acid, which is acidic and polar, at codon 257 of the PHEX protein (p.Ala257Asp).

NM_000444.6(PHEX):c.770C>A (p.Ala257Asp)

Gene: PHEX (phosphate regulating endopeptidase X-linked; plus strand). Cytogenetic location: Xp22.11.
Variant type: single nucleotide variant.
Coding change: c.770C>A on transcript NM_000444.6 (MANE Select); coding-DNA position 770, C replaced by A.
Protein change: p.Ala257Asp; replaces alanine 257 with aspartic acid.
Molecular consequence: missense variant.
Genome position (GRCh38, 1-based): chrX:22,094,020, C>A. VCF-style: chrX-22094020-C-A. GRCh37 (hg19) VCF-style: chrX-22112138-C-A.
Other names: c.770C>A, p.Ala257Asp (NM_001282754.2); short protein forms A257D.
Identifiers: ClinVar variation 1937101 (VCV001937101.5), dbSNP rs2519772125, ClinGen allele CA412572336.